The following is an entry in ClinVar:

NM_001211.6(BUB1B):c.792A>C (p.Gln264His)

Gene: BUB1B (BUB1 mitotic checkpoint serine/threonine kinase B; plus strand). Cytogenetic location: 15q15.1.
Variant type: single nucleotide variant.
Coding change: c.792A>C on transcript NM_001211.6 (MANE Select); coding-DNA position 792, A replaced by C.
Protein change: p.Gln264His; replaces glutamine 264 with histidine.
Molecular consequence: missense variant.
Genome position (GRCh38, 1-based): chr15:40,185,205, A>C. VCF-style: chr15-40185205-A-C. GRCh37 (hg19) VCF-style: chr15-40477406-A-C.
Other names: short protein forms Q264H.
Identifiers: ClinVar variation 1761256 (VCV001761256.2), dbSNP rs2037344191, ClinGen allele CA391683979.

ClinVar aggregate classification (germline): Uncertain significance (1 of 4 stars; one submission).

Conditions:
Inborn genetic diseases. Identifiers: MedGen C0950123, MeSH D030342.

Submission:

Ambry Genetics
Classification: Uncertain significance for Inborn genetic diseases. Last evaluated: 2021-08-23. Review status: criteria provided, single submitter. Criteria: Ambry Variant Classification Scheme 2023. Collection method: clinical testing. Allele origin: germline.
Comment: The p.Q264H variant (also known as c.792A>C), located in coding exon 7 of the BUB1B gene, results from an A to C substitution at nucleotide position 792. The glutamine at codon 264 is replaced by histidine, an amino acid with highly similar properties. This amino acid position is conserved. In addition, this alteration is predicted to be tolerated by in silico analysis. Since supporting evidence is limited at this time, the clinical significance of this alteration remains unclear.